The following is an entry in ClinVar:

NM_000383.4(AIRE):c.1400+2T>C

Gene: AIRE (autoimmune regulator; plus strand). Cytogenetic location: 21q22.3.
Variant type: single nucleotide variant.
Coding change: c.1400+2T>C on transcript NM_000383.4 (MANE Select); the canonical splice donor site of the intron after coding-DNA position 1400, T replaced by C.
Molecular consequence: splice donor variant.
Genome position (GRCh38, 1-based): chr21:44,293,912, T>C. VCF-style: chr21-44293912-T-C. GRCh37 (hg19) VCF-style: chr21-45713795-T-C.
Identifiers: ClinVar variation 2019719 (VCV002019719.4), dbSNP rs2517885999, ClinGen allele CA410425844.

ClinVar aggregate classification (germline): Likely pathogenic (1 of 4 stars; one submission).

Conditions:
Polyglandular autoimmune syndrome, type 1 (APS1). Also called: PGA I; Autoimmune polyendocrine syndrome type 1; Autoimmune polyendocrinopathy syndrome , type I, with or without reversible metaphyseal dysplasia; APS I; Autoimmune polyendocrinopathy syndrome, type I; HYPOADRENOCORTICISM WITH HYPOPARATHYROIDISM AND SUPERFICIAL MONILIASIS. Identifiers: Orphanet 3453, MedGen C0085859, MONDO:0009411, OMIM 240300.

Submission:

Labcorp Genetics (formerly Invitae), Labcorp
Classification: Likely pathogenic for Polyglandular autoimmune syndrome, type 1. Last evaluated: 2022-07-25. Review status: criteria provided, single submitter. Criteria: Invitae Variant Classification Sherloc (09022015). Collection method: clinical testing. Allele origin: germline.
Comment: This sequence change affects a donor splice site in intron 11 of the AIRE gene. It is expected to disrupt RNA splicing. Variants that disrupt the donor or acceptor splice site typically lead to a loss of protein function (PMID: 16199547), and loss-of-function variants in AIRE are known to be pathogenic (PMID: 11524731, 26141571). This variant is not present in population databases (gnomAD no frequency). Disruption of this splice site has been observed in individual(s) with autoimmune-polyendocrinopathy-candidiasis-ectodermal-dystrophy (PMID: 11524731). Algorithms developed to predict the effect of sequence changes on RNA splicing suggest that this variant may disrupt the consensus splice site. In summary, the currently available evidence indicates that the variant is pathogenic, but additional data are needed to prove that conclusively. Therefore, this variant has been classified as Likely Pathogenic.

Literature cited by the submitters: PubMed 16199547; PubMed 11524731; PubMed 26141571.